The following is an entry in ClinVar:

ClinVar aggregate classification (germline): Uncertain significance. Review status: reviewed by expert panel (3 of 4 stars). 2 submissions from 2 submitters: Uncertain significance (1). 1 of the submissions does not count toward it. Last evaluated 2025-08-05.

Conditions:
Monogenic diabetes. Identifiers: Orphanet 183625, MedGen C3888631, MONDO:0015967.

Allele frequency attached by ClinVar (database versions not stated): gnomAD exomes below 0.00001.

Submissions (2):

ClinGen Monogenic Diabetes Variant Curation Expert Panel
Classification: Uncertain significance for Monogenic diabetes. Last evaluated: 2025-08-05. Review status: reviewed by expert panel. Criteria: ClinGen Diabetes ACMG Specifications HNF1A V3.0.0. Collection method: curation. Allele origin: germline. Inheritance: Autosomal dominant inheritance.
Comment: The c.797A>G variant in the HNF1 homeobox A gene, HNF1A, causes an amino acid change of asparagine to serine at codon 266 (p.(Asn266Ser)) of NM_000545.8. This variant is located within the DNA binding domain (codons 201-280) of HNF1A, which is defined as critical for the protein’s function by the ClinGen MDEP (PM1_Supporting), and is predicted to be deleterious by computational evidence, with a REVEL score of 0.856, which is greater than the MDEP threshold of 0.70 (PP3). This variant has an incomputable gnomAD v4.1.0 Grpmax filtering allele frequency due to 1 copy in the admixed American population and 0 copies in any other subpopulation, thereby meeting the ClinGen MDEP threshold criteria for PM2_Supporting (Grpmax FAF <= 0.000003) (PM2_Supporting). This variant was identified in three unrelated individuals with non-autoimmune and non-absolute/near-absolute insulin-deficient diabetes; however, PS4_Moderate cannot be applied because this number is below the ClinGen MDEP threshold (PMID: 24097065, PMID: 23348805, internal lab contributors). This variant was identified in an individual with a clinical history highly specific for HNF1A-MODY (MODY probability calculator result >50%, negative genetic testing for HNF4A, and sulfonylurea sensitive (PP4_Moderate; internal lab contributors). While studies exploring the effect of this variant on protein function have been performed, these studies do not meet the criteria set forth by the MDEP for the application of PS3 or BS3 (PMID: 35257744). Another missense variant at the same codon, c.798C>G p.(Asn266Lys), has been classified as a VUS by the ClinGen MDEP; therefore, PM5 will not be applied. In summary, the evidence supports the classification of c.797A>G as a variant of uncertain significance for monogenic diabetes. ACMG/AMP criteria applied, as specified by the ClinGen MDEP VCEP (specification version 3.0.0, approved 6/30/2025): PP3, PM1_Supporting, PM2_Supporting, PP4_Moderate

Labcorp Genetics (formerly Invitae), Labcorp
Classification: Uncertain significance. Last evaluated: 2021-01-04. Review status: criteria provided, single submitter. Criteria: Invitae Variant Classification Sherloc (09022015). Collection method: clinical testing. Allele origin: germline. Not counted in ClinVar's aggregate classification.
Comment: In summary, the available evidence is currently insufficient to determine the role of this variant in disease. Therefore, it has been classified as a Variant of Uncertain Significance. Algorithms developed to predict the effect of sequence changes on RNA splicing suggest that this variant may create or strengthen a splice site, but this prediction has not been confirmed by published transcriptional studies. Advanced modeling of protein sequence and biophysical properties (such as structural, functional, and spatial information, amino acid conservation, physicochemical variation, residue mobility, and thermodynamic stability) performed at Invitae indicates that this missense variant is expected to disrupt HNF1A protein function. This variant has been observed in individual(s) with maturity-onset diabetes of the young (PMID: 23348805, Invitae). This variant is not present in population databases (ExAC no frequency). This sequence change replaces asparagine with serine at codon 266 of the HNF1A protein (p.Asn266Ser). The asparagine residue is highly conserved and there is a small physicochemical difference between asparagine and serine.

Literature cited by the submitters: PubMed 24097065 (cited by ClinGen Monogenic Diabetes Variant Curation Expert Panel); PubMed 23348805 (cited by ClinGen Monogenic Diabetes Variant Curation Expert Panel and Labcorp Genetics (formerly Invitae), Labcorp); PubMed 35257744 (cited by ClinGen Monogenic Diabetes Variant Curation Expert Panel).

NM_000545.8(HNF1A):c.797A>G (p.Asn266Ser)

Gene: HNF1A (HNF1 homeobox A; plus strand). Cytogenetic location: 12q24.31.
Variant type: single nucleotide variant.
Coding change: c.797A>G on transcript NM_000545.8 (MANE Select); coding-DNA position 797, A replaced by G.
Protein change: p.Asn266Ser; replaces asparagine 266 with serine.
Molecular consequence: missense variant.
Genome position (GRCh38, 1-based): chr12:120,994,247, A>G. VCF-style: chr12-120994247-A-G. GRCh37 (hg19) VCF-style: chr12-121432050-A-G.
Other names: NM_001306179.2:c.797A>G; NM_000545.8(HNF1A):c.797A>G; p.Asn266Ser; c.797A>G, p.Asn266Ser (NM_001306179.2); short protein forms N266S.
Identifiers: ClinVar variation 1334145 (VCV001334145.12), dbSNP rs2135841726, ClinGen allele CA386966227.